The following is an entry in ClinVar:

NM_001267550.2(TTN):c.104798A>T (p.Gln34933Leu)

Genes: TTN (titin; minus strand), TTN-AS1 (TTN antisense RNA 1; plus strand). Cytogenetic location: 2q31.2.
Variant type: single nucleotide variant.
Coding change: c.104798A>T on transcript NM_001267550.2 (MANE Select); coding-DNA position 104798, A replaced by T.
Protein change: p.Gln34933Leu; replaces glutamine 34933 with leucine.
Molecular consequence: missense variant.
Genome position (GRCh38, 1-based): chr2:178,531,817, T>A on the plus strand (A>T on the coding strand, the complement: TTN is on the minus strand). VCF-style: chr2-178531817-T-A. GRCh37 (hg19) VCF-style: chr2-179396544-T-A.
Other names: c.99875A>T, p.Gln33292Leu (NM_001256850.1); c.77603A>T, p.Gln25868Leu (NM_003319.4); c.97094A>T, p.Gln32365Leu (NM_133378.4); c.77978A>T, p.Gln25993Leu (NM_133432.3); c.78179A>T, p.Gln26060Leu (NM_133437.4); short protein forms Q25868L, Q32365L, Q34933L, Q33292L, Q26060L, Q25993L.
Identifiers: ClinVar variation 1760502 (VCV001760502.3), dbSNP rs746213185, ClinGen allele CA1985357.

ClinVar aggregate classification (germline): Uncertain significance. Review status: criteria provided, multiple submitters, no conflicts (2 of 4 stars). 2 submissions from 2 submitters: Uncertain significance (2). Last evaluated 2025-05-26.

Conditions:
Cardiovascular phenotype. Identifiers: MedGen CN230736.

Allele frequency attached by ClinVar (database versions not stated): gnomAD exomes 0.00001; ExAC 0.00002; gnomAD 0.00004; TOPMed 0.00002.
gnomAD v4.1: 9 of 1,613,900 alleles (0.00056%); highest among the groups gnomAD compares: African/African-American, 0.012%; no homozygotes.

Submissions (2):

Revvity Omics, Revvity
Classification: Uncertain significance. Last evaluated: 2025-05-26. Review status: criteria provided, single submitter. Criteria: ACMG Guidelines, 2015. Collection method: clinical testing. Allele origin: germline.

Ambry Genetics
Classification: Uncertain significance for Cardiovascular phenotype. Last evaluated: 2019-05-08. Review status: criteria provided, single submitter. Criteria: Ambry Variant Classification Scheme 2023. Collection method: clinical testing. Allele origin: germline.
Comment: The p.Q25868L variant (also known as c.77603A>T), located in coding exon 185 of the TTN gene, results from an A to T substitution at nucleotide position 77603. The glutamine at codon 25868 is replaced by leucine, an amino acid with dissimilar properties. This amino acid position is highly conserved in available vertebrate species. In addition, this alteration is predicted to be probably damaging by PolyPhen and SIFT in silico analysis. Since supporting evidence is limited at this time, the clinical significance of this alteration remains unclear.